The following is an entry in ClinVar:

NM_014946.4(SPAST):c.1238C>A (p.Ser413Ter)

Gene: SPAST (spastin; plus strand). Cytogenetic location: 2p22.3.
Variant type: single nucleotide variant.
Coding change: c.1238C>A on transcript NM_014946.4 (MANE Select); coding-DNA position 1238, C replaced by A.
Protein change: p.Ser413Ter; replaces serine 413 with a stop codon.
Molecular consequence: nonsense.
Genome position (GRCh38, 1-based): chr2:32,128,472, C>A. VCF-style: chr2-32128472-C-A. GRCh37 (hg19) VCF-style: chr2-32353541-C-A.
Other names: c.1235C>A, p.Ser412Ter (NM_001363823.2); c.1139C>A, p.Ser380Ter (NM_001363875.2); c.1142C>A, p.Ser381Ter (NM_001377959.1, NM_199436.2); c.1238C>A (NM_014946.3); short protein forms S380*, S381*, S412*, S413*.
Identifiers: ClinVar variation 1070822 (VCV001070822.9), dbSNP rs1553317045, ClinGen allele CA346501502.

ClinVar aggregate classification (germline): Pathogenic/Likely pathogenic. Review status: criteria provided, multiple submitters, no conflicts (2 of 4 stars). 3 submissions from 3 submitters: Pathogenic (2); Likely pathogenic (1). Last evaluated 2022-12-23.

Conditions:
SPAST-related disorder. Also called: SPAST-related condition.
Hereditary spastic paraplegia 4. Also called: Familial spastic paraplegia autosomal dominant 2; Spastic Paraplegia 4; Spastic paraplegia 4, autosomal dominant. Identifiers: Orphanet 100985, MedGen C1866855, MONDO:0008438, OMIM 182601.

Submissions (3):

Athena Diagnostics
Classification: Pathogenic. Last evaluated: 2022-12-23. Review status: criteria provided, single submitter. Criteria: Athena Diagnostics Criteria. Collection method: clinical testing. Allele origin: unknown.
Comment: This variant is expected to result in the loss of a functional protein. Another nonsense variant in this codon (c.1238C>G) has been identified in at least one individual with spastic paraplegia. This variant has not been reported in large, multi-ethnic general populations.

Labcorp Genetics (formerly Invitae), Labcorp
Classification: Pathogenic for Hereditary spastic paraplegia 4. Last evaluated: 2020-09-10. Review status: criteria provided, single submitter. Criteria: Invitae Variant Classification Sherloc (09022015). Collection method: clinical testing. Allele origin: germline.
Comment: This sequence change creates a premature translational stop signal (p.Ser413*) in the SPAST gene. It is expected to result in an absent or disrupted protein product. This variant is not present in population databases (ExAC no frequency). For these reasons, this variant has been classified as Pathogenic. Loss-of-function variants in SPAST are known to be pathogenic (PMID: 20932283). This variant has not been reported in the literature in individuals with SPAST-related conditions.

Blueprint Genetics
Classification: Likely pathogenic for SPAST-related disorders. Last evaluated: 2019-11-29. Review status: criteria provided, single submitter. Criteria: ACMG Guidelines, 2015. Collection method: clinical testing. Allele origin: germline. Affected: yes. Observed: 1 variant allele.

Literature cited by the submitters: PubMed 30476002 (cited by Athena Diagnostics); PubMed 20932283 (cited by Labcorp Genetics (formerly Invitae), Labcorp).